The following is an entry in ClinVar:

NM_206933.4(USH2A):c.14904C>T (p.Asp4968=)

Gene: USH2A (usherin; minus strand). Cytogenetic location: 1q41.
Variant type: single nucleotide variant.
Coding change: c.14904C>T on transcript NM_206933.4 (MANE Select); coding-DNA position 14904, C replaced by T.
Protein change: p.Asp4968=; no amino-acid change (aspartic acid 4968 retained).
Molecular consequence: synonymous variant.
Genome position (GRCh38, 1-based): chr1:215,640,622, G>A on the plus strand (C>T on the coding strand, the complement: USH2A is on the minus strand). VCF-style: chr1-215640622-G-A. GRCh37 (hg19) VCF-style: chr1-215813964-G-A.
Other names: c.14904C>T (NM_206933.2).
Identifiers: ClinVar variation 1082877 (VCV001082877.34), dbSNP rs151165599, ClinGen allele CA1392894.
Genomic context (GRCh38, chr1:215,640,622, plus strand): 5'-GTCCGCCGTTCTCGGTATGTAGAGGGTGGTGTCCAAGCCGCTGTACACGCGTCGCCCTCC[G>A]TCGGTTAACACGTACTCCTTCAGTTGGCCGTTCAGGAGGAAGGTGTCACTCCAGTTCACA-3'
Protein context (NP_996816.3, residues 4958-4978): NGQLKEYVLT[Asp4968=]GGRRVYSGLD

ClinVar aggregate classification (germline): Likely benign. Review status: criteria provided, multiple submitters, no conflicts (2 of 4 stars). 6 submissions from 5 submitters: Likely benign (6). Last evaluated 2026-01-24.

Conditions:
USH2A-related disorder. Also called: USH2A-related condition; USH2A-related disorders. Identifiers: MedGen CN239332.
Retinitis pigmentosa 39 (RP39). Identifiers: Orphanet 791, MedGen C3151138, MONDO:0013436, OMIM 613809.
Usher syndrome type 2A. Also called: RETINAL DISEASE IN USHER SYNDROME TYPE IIA, MODIFIER OF; USHER SYNDROME, TYPE IIA. Identifiers: Orphanet 231178, Orphanet 886, MedGen C1848634, MONDO:0010169, OMIM 276901.

Allele frequency attached by ClinVar (database versions not stated): ExAC 0.00002; gnomAD exomes 0.00004; gnomAD 0.00005; TOPMed 0.00005; ESP Exome Variant Server 0.00008.
gnomAD v4.1: 68 of 1,613,734 alleles (0.0042%); highest among the groups gnomAD compares: African/African-American, 0.0067%; no homozygotes.

Submissions (6):

PreventionGenetics, part of Exact Sciences
Classification: Likely benign for USH2A-related condition. Last evaluated: 2026-01-24. Review status: criteria provided, single submitter. Criteria: ACMG Guidelines, 2015. Collection method: clinical testing. Allele origin: germline.
Comment: This variant is classified as likely benign based on ACMG/AMP sequence variant interpretation guidelines (Richards et al. 2015 PMID: 25741868, with internal and published modifications).

Labcorp Genetics (formerly Invitae), Labcorp
Classification: Likely benign. Last evaluated: 2025-12-01. Review status: criteria provided, single submitter. Criteria: Invitae Variant Classification Sherloc (09022015). Collection method: clinical testing. Allele origin: germline.

CeGaT Center for Human Genetics Tuebingen
Classification: Likely benign. Last evaluated: 2025-01-01. Review status: criteria provided, single submitter. Criteria: CeGaT Center For Human Genetics Tuebingen Variant Classification Criteria Version 2. Collection method: clinical testing. Allele origin: germline. Affected: yes. Observed: 3 variant alleles.
Comment: USH2A: BP4, BP7

Blueprint Genetics
Classification: Likely benign. Last evaluated: 2024-10-15. Review status: criteria provided, single submitter. Criteria: ACMG Guidelines, 2015. Collection method: clinical testing. Allele origin: germline.

Genome-Nilou Lab
Classification: Likely benign for Retinitis pigmentosa 39. Last evaluated: 2023-11-04. Review status: criteria provided, single submitter. Criteria: ACMG Guidelines, 2015. Collection method: clinical testing. Allele origin: germline. Affected: no.

Genome-Nilou Lab
Classification: Likely benign for Usher syndrome type 2A. Last evaluated: 2023-11-04. Review status: criteria provided, single submitter. Criteria: ACMG Guidelines, 2015. Collection method: clinical testing. Allele origin: germline. Affected: no.